The following is an entry in ClinVar:

ClinVar aggregate classification (germline): Uncertain significance. Review status: criteria provided, multiple submitters, no conflicts (2 of 4 stars). 2 submissions from 2 submitters: Uncertain significance (2). Last evaluated 2025-05-04.

Conditions:
Infantile liver failure syndrome 3. Identifiers: MedGen C5231437, MONDO:0032844, OMIM 618641.

Allele frequency attached by ClinVar (database versions not stated): TOPMed below 0.00001; gnomAD 0.00001.
gnomAD v4.1: 1 of 1,613,922 alleles (0.000062%); highest among the groups gnomAD compares: Admixed American, 0.0017%; no homozygotes.

Submissions (2):

Ambry Genetics
Classification: Uncertain significance. Last evaluated: 2025-05-04. Review status: criteria provided, single submitter. Criteria: Ambry Variant Classification Scheme 2023. Collection method: clinical testing. Allele origin: germline.
Comment: The p.L429I variant (also known as c.1285C>A), located in coding exon 9 of the RINT1 gene, results from a C to A substitution at nucleotide position 1285. The leucine at codon 429 is replaced by isoleucine, an amino acid with highly similar properties. This amino acid position is conserved. In addition, this alteration is predicted to be tolerated by in silico analysis. Since supporting evidence is limited at this time, the clinical significance of this alteration remains unclear.

HudsonAlpha Institute for Biotechnology
Classification: Uncertain significance for Infantile liver failure syndrome 3. Last evaluated: 2020-03-17. Review status: criteria provided, single submitter. Criteria: ACMG Guidelines, 2015. Collection method: research. Allele origin: maternal. Observed: 1 variant allele. Study: CSER-SouthSeq.
Comment: ACMG codes:PM2; PP3

NM_021930.6(RINT1):c.1285C>A (p.Leu429Ile)

Gene: RINT1 (RAD50 interactor 1; plus strand). Cytogenetic location: 7q22.3.
Variant type: single nucleotide variant.
Coding change: c.1285C>A on transcript NM_021930.6 (MANE Select); coding-DNA position 1285, C replaced by A.
Protein change: p.Leu429Ile; replaces leucine 429 with isoleucine.
Molecular consequence: missense variant. On other transcripts: non-coding transcript variant (1).
Genome position (GRCh38, 1-based): chr7:105,550,438, C>A. VCF-style: chr7-105550438-C-A. GRCh37 (hg19) VCF-style: chr7-105190885-C-A.
Other names: c.1051C>A, p.Leu351Ile (NM_001346599.2); c.262C>A, p.Leu88Ile (NM_001346600.2, NM_001346603.2); c.361C>A, p.Leu121Ile (NM_001346601.2); c.1285C>A (NM_021930.4); short protein forms L121I, L351I, L429I, L88I.
Identifiers: ClinVar variation 982440 (VCV000982440.4), dbSNP rs1790880304, ClinGen allele CA368809364.